The following is an entry in ClinVar:

ClinVar aggregate classification (germline): Benign/Likely benign. Review status: criteria provided, multiple submitters, no conflicts (2 of 4 stars). 7 submissions from 7 submitters: Benign (3); Likely benign (3). 1 of the submissions does not count toward it. Last evaluated 2026-04-24.

Conditions:
Spastic paraplegia. Identifiers: MedGen C0037772, HP:0001258.
SACS-related disorder. Also called: SACS-related condition.
Charlevoix-Saguenay spastic ataxia (SACS). Also called: Spastic ataxia of Charlevoix-Saguenay; SPASTIC ATAXIA 6, AUTOSOMAL RECESSIVE; AUTOSOMAL RECESSIVE SPASTIC ATAXIA OF CHARLEVOIX-SAGUENAY. Identifiers: Orphanet 98, MedGen C1849140, MONDO:0010041, OMIM 270550.

Allele frequency attached by ClinVar (database versions not stated): gnomAD 0.00008 and 0.00009; gnomAD exomes 0.00008 and 0.00037; 1000 Genomes Project 0.00020; TOPMed 0.00021; ExAC 0.00029; 1000 Genomes Project 30x 0.00031.
gnomAD v4.1: 124 of 1,613,862 alleles (0.0077%); highest among the groups gnomAD compares: Admixed American, 0.19%; no homozygotes.

Submissions (7):

PreventionGenetics, part of Exact Sciences
Classification: Likely benign for SACS-related condition. Last evaluated: 2026-04-24. Review status: criteria provided, single submitter. Criteria: ACMG Guidelines, 2015. Collection method: clinical testing. Allele origin: germline.
Comment: This variant is classified as likely benign based on ACMG/AMP sequence variant interpretation guidelines (Richards et al. 2015 PMID: 25741868, with internal and published modifications).

Labcorp Genetics (formerly Invitae), Labcorp
Classification: Benign for Spastic paraplegia. Last evaluated: 2026-01-28. Review status: criteria provided, single submitter. Criteria: Invitae Variant Classification Sherloc (09022015). Collection method: clinical testing. Allele origin: germline.

Mayo Clinic Laboratories, Mayo Clinic
Classification: Likely benign. Last evaluated: 2024-10-15. Review status: criteria provided, single submitter. Criteria: ACMG Guidelines, 2015. Collection method: clinical testing. Allele origin: germline. Observed: 1 variant allele.
Comment: BS1, BP4, BP7

Blueprint Genetics
Classification: Likely benign. Last evaluated: 2021-05-02. Review status: criteria provided, single submitter. Criteria: ACMG Guidelines, 2015. Collection method: clinical testing. Allele origin: germline.

Athena Diagnostics
Classification: Benign. Last evaluated: 2020-04-06. Review status: criteria provided, single submitter. Criteria: Athena Diagnostics Criteria. Collection method: clinical testing. Allele origin: unknown.

Breakthrough Genomics
Classification: Benign. Review status: criteria provided, single submitter. Criteria: ACMG Guidelines, 2015. Collection method: not provided. Allele origin: germline. Inheritance: Autosomal recessive inheritance. Affected: yes.

Natera, Inc.
Classification: Likely benign for Charlevoix-Saguenay type spastic ataxia. Last evaluated: 2020-12-01. Review status: no assertion criteria provided. Collection method: clinical testing. Allele origin: germline. Not counted in ClinVar's aggregate classification.

NM_014363.6(SACS):c.10221A>G (p.Leu3407=)

Gene: SACS (sacsin molecular chaperone; minus strand). Cytogenetic location: 13q12.12.
Variant type: single nucleotide variant.
Coding change: c.10221A>G on transcript NM_014363.6 (MANE Select); coding-DNA position 10221, A replaced by G.
Protein change: p.Leu3407=; no amino-acid change (leucine 3407 retained).
Molecular consequence: synonymous variant.
Genome position (GRCh38, 1-based): chr13:23,333,655, T>C on the plus strand (A>G on the coding strand, the complement: SACS is on the minus strand). VCF-style: chr13-23333655-T-C. GRCh37 (hg19) VCF-style: chr13-23907794-T-C.
Other names: p.Leu3407=; c.9780A>G, p.Leu3260= (NM_001278055.2).
Identifiers: ClinVar variation 699306 (VCV000699306.17), dbSNP rs143243372, ClinGen allele CA6910486.